The following is an entry in ClinVar:

ClinVar aggregate classification (germline): Benign/Likely benign. Review status: criteria provided, multiple submitters, no conflicts (2 of 4 stars). 4 submissions from 4 submitters: Benign (1); Likely benign (3). Last evaluated 2025-03-11.

Conditions:
Inborn genetic diseases. Identifiers: MedGen C0950123, MeSH D030342.
Occult macular dystrophy (OCMD). Also called: OMD; OCCULT MACULAR DYSTROPHY, SUSCEPTIBILITY TO. Identifiers: Orphanet 247834, MedGen C3150833, MONDO:0013316, OMIM 613587, HP:0030636.

Allele frequency attached by ClinVar (database versions not stated): gnomAD exomes 0.00007; ExAC 0.00009; gnomAD 0.00011; TOPMed 0.00011; ESP Exome Variant Server 0.00016.

Submissions (4):

Ambry Genetics
Classification: Likely benign for Inborn genetic diseases. Last evaluated: 2025-03-11. Review status: criteria provided, single submitter. Criteria: Ambry Variant Classification Scheme 2023. Collection method: clinical testing. Allele origin: germline.

Blueprint Genetics
Classification: Likely benign. Last evaluated: 2024-11-20. Review status: criteria provided, single submitter. Criteria: ACMG Guidelines, 2015. Collection method: clinical testing. Allele origin: germline.

CeGaT Center for Human Genetics Tuebingen
Classification: Likely benign. Last evaluated: 2023-01-01. Review status: criteria provided, single submitter. Criteria: CeGaT Center For Human Genetics Tuebingen Variant Classification Criteria Version 2. Collection method: clinical testing. Allele origin: germline. Affected: yes. Observed: 1 variant allele.
Comment: RP1L1: BP4, BP7

Illumina Laboratory Services, Illumina
Classification: Benign for Occult macular dystrophy. Last evaluated: 2018-01-12. Review status: criteria provided, single submitter. Criteria: ICSL Variant Classification Criteria 13 December 2019. Collection method: clinical testing. Allele origin: germline.
Comment: This variant was observed in the ICSL laboratory as part of a predisposition screen in an ostensibly healthy population. It had not been previously curated by ICSL or reported in the Human Gene Mutation Database (HGMD: prior to June 1st, 2018), and was therefore a candidate for classification through an automated scoring system. Utilizing variant allele frequency, disease prevalence and penetrance estimates, and inheritance mode, an automated score was calculated to assess if this variant is too frequent to cause the disease. Based on the score and internal cut-off values, a variant classified as benign is not then subjected to further curation. The score for this variant resulted in a classification of benign for this disease.

NM_178857.6(RP1L1):c.1605G>A (p.Ser535=)

Gene: RP1L1 (RP1 like 1). Cytogenetic location: 8p23.1.
Variant type: single nucleotide variant.
Coding change: c.1605G>A on transcript NM_178857.6 (MANE Select); coding-DNA position 1605, G replaced by A.
Protein change: p.Ser535=; no amino-acid change (serine 535 retained).
Molecular consequence: synonymous variant.
Genome position (GRCh38, 1-based): chr8:10,612,493, C>T on the plus strand (G>A on the coding strand, the complement: RP1L1 is on the minus strand). VCF-style: chr8-10612493-C-T. GRCh37 (hg19) VCF-style: chr8-10470003-C-T.
Identifiers: ClinVar variation 911644 (VCV000911644.30), dbSNP rs200772091, ClinGen allele CA4625111.
Genomic context (GRCh38, chr8:10,612,493, plus strand): 5'-ACAGCCCTGGGGCCGCCCACCCCATTCGCTGGATCCCTCATGAGAGCCGGTGCTGGCTGA[C>T]GAGTCCGAAGAAGCCCCCTCCTCACTCCGGGCCCTCGGTGTCAGGCGGCCGCCTTGCTCT-3'
Protein context (NP_849188.4, residues 525-545): ARSEEGASSD[Ser535=]SASTGSHEGS